The following is an entry in ClinVar:

ClinVar aggregate classification (germline): Benign. Review status: criteria provided, multiple submitters, no conflicts (2 of 4 stars). 2 submissions from 2 submitters: Benign (2). Last evaluated 2018-06-18.

Allele frequency attached by ClinVar (database versions not stated): 1000 Genomes Project 30x 0.60415; 1000 Genomes Project 0.60703; TOPMed 0.62848; gnomAD 0.63231 and 0.63612.
gnomAD v4.1: 298,959 of 478,930 alleles (62%); highest among the groups gnomAD compares: East Asian, 69%; 94,436 homozygotes.

Submissions (2):

GeneDx
Classification: Benign. Last evaluated: 2018-06-18. Review status: criteria provided, single submitter. Criteria: GeneDx Variant Classification (06012015). Collection method: clinical testing. Allele origin: germline. Affected: yes.
Comment: This variant is considered likely benign or benign based on one or more of the following criteria: it is a conservative change, it occurs at a poorly conserved position in the protein, it is predicted to be benign by multiple in silico algorithms, and/or has population frequency not consistent with disease.

Breakthrough Genomics
Classification: Benign. Review status: criteria provided, single submitter. Criteria: ACMG Guidelines, 2015. Collection method: not provided. Allele origin: germline. Inheritance: Autosomal recessive inheritance. Affected: yes.

NM_004369.4(COL6A3):c.6591+297G>A

Gene: COL6A3 (collagen type VI alpha 3 chain; minus strand). Cytogenetic location: 2q37.3.
Variant type: single nucleotide variant.
Coding change: c.6591+297G>A on transcript NM_004369.4 (MANE Select); 297 bases into the intron after coding-DNA position 6591, G replaced by A.
Molecular consequence: intron variant.
Genome position (GRCh38, 1-based): chr2:237,357,041, C>T on the plus strand (G>A on the coding strand, the complement: COL6A3 is on the minus strand). VCF-style: chr2-237357041-C-T. GRCh37 (hg19) VCF-style: chr2-238265684-C-T.
Other names: c.4770+297G>A (NM_057166.5); c.5973+297G>A (NM_057167.4).
Identifiers: ClinVar variation 668109 (VCV000668109.2), dbSNP rs10929228, ClinGen allele CA11175398.